The following is an entry in ClinVar:

NM_020778.5(ALPK3):c.913C>T (p.Gln305Ter)

Gene: ALPK3 (alpha kinase 3; plus strand). Cytogenetic location: 15q25.3.
Variant type: single nucleotide variant.
Coding change: c.913C>T on transcript NM_020778.5 (MANE Select); coding-DNA position 913, C replaced by T.
Protein change: p.Gln305Ter; replaces glutamine 305 with a stop codon.
Molecular consequence: nonsense.
Genome position (GRCh38, 1-based): chr15:84,840,192, C>T. VCF-style: chr15-84840192-C-T. GRCh37 (hg19) VCF-style: chr15-85383423-C-T.
Other names: short protein forms Q305*.
Identifiers: ClinVar variation 1028191 (VCV001028191.2), dbSNP rs1225841418, ClinGen allele CA393373765.

ClinVar aggregate classification (germline): Pathogenic/Likely pathogenic. Review status: criteria provided, multiple submitters, no conflicts (2 of 4 stars). 2 submissions from 2 submitters: Pathogenic (1); Likely pathogenic (1). Last evaluated 2023-11-06.

Conditions:
ALPK3-related disorder. Also called: ALPK3-related condition.
Cardiomyopathy, familial hypertrophic 27. Identifiers: MedGen C4748014, MONDO:0054838, OMIM 618052.

gnomAD v4.1: 2 of 1,613,638 alleles (0.00012%); highest among the groups gnomAD compares: Non-Finnish European, 0.00017%; no homozygotes.

Submissions (2):

Blueprint Genetics
Classification: Likely pathogenic for ALPK3-related disorders. Last evaluated: 2023-11-06. Review status: criteria provided, single submitter. Criteria: ACMG Guidelines, 2015. Collection method: clinical testing. Allele origin: germline. Affected: yes. Observed: 2 variant alleles.

Baylor Genetics
Classification: Pathogenic for Cardiomyopathy, familial hypertrophic 27. Last evaluated: 2020-05-05. Review status: criteria provided, single submitter. Criteria: ACMG Guidelines, 2015. Collection method: clinical testing. Allele origin: unknown. Affected: yes.
Comment: This variant was determined to be pathogenic according to ACMG Guidelines, 2015 [PMID:25741868].